The following is an entry in ClinVar:

ClinVar aggregate classification (germline): Uncertain significance. Review status: criteria provided, multiple submitters, no conflicts (2 of 4 stars). 3 submissions from 3 submitters: Uncertain significance (3). Last evaluated 2020-09-14.

Conditions:
Dilated cardiomyopathy 1G (CMD1G). Identifiers: Orphanet 154, MedGen C1858763, MONDO:0011400, OMIM 604145.
Autosomal recessive limb-girdle muscular dystrophy type 2J (LGMDR10). Also called: Limb-girdle muscular dystrophy, type 2J; MUSCULAR DYSTROPHY, LIMB-GIRDLE, AUTOSOMAL RECESSIVE 10. Identifiers: Orphanet 140922, MedGen C1837342, MONDO:0012127, OMIM 608807.

Allele frequency attached by ClinVar (database versions not stated): TOPMed below 0.00001; ExAC 0.00001; gnomAD 0.00001; gnomAD exomes 0.00001.
gnomAD v4.1: 22 of 1,613,354 alleles (0.0014%); highest among the groups gnomAD compares: Non-Finnish European, 0.0017%; no homozygotes.

Submissions (3):

Revvity Omics, Revvity
Classification: Uncertain significance. Last evaluated: 2020-09-14. Review status: criteria provided, single submitter. Criteria: ACMG Guidelines, 2015. Collection method: clinical testing. Allele origin: germline.

GeneDx
Classification: Uncertain significance. Last evaluated: 2019-05-28. Review status: criteria provided, single submitter. Criteria: GeneDx Variant Classification Process June 2021. Collection method: clinical testing. Allele origin: germline. Affected: yes.
Comment: Not observed at a significant frequency in large population cohorts (Lek et al., 2016); Missense variant in a gene in which most reported pathogenic variants are truncating/loss-of-function; Has not been previously published as pathogenic or benign to our knowledge

Labcorp Genetics (formerly Invitae), Labcorp
Classification: Uncertain significance for Dilated cardiomyopathy 1G; Autosomal recessive limb-girdle muscular dystrophy type 2J. Last evaluated: 2016-12-16. Review status: criteria provided, single submitter. Criteria: Invitae Variant Classification Sherloc (09022015). Collection method: clinical testing. Allele origin: germline.

NM_001267550.2(TTN):c.79768C>T (p.Pro26590Ser)

Genes: TTN-AS1 (TTN antisense RNA 1; plus strand), TTN (titin; minus strand). Cytogenetic location: 2q31.2.
Variant type: single nucleotide variant.
Coding change: c.79768C>T on transcript NM_001267550.2 (MANE Select); coding-DNA position 79768, C replaced by T.
Protein change: p.Pro26590Ser; replaces proline 26590 with serine.
Molecular consequence: missense variant.
Genome position (GRCh38, 1-based): chr2:178,566,364, G>A on the plus strand (C>T on the coding strand, the complement: TTN is on the minus strand). VCF-style: chr2-178566364-G-A. GRCh37 (hg19) VCF-style: chr2-179431091-G-A.
Other names: c.74845C>T, p.Pro24949Ser (NM_001256850.1); c.52573C>T, p.Pro17525Ser (NM_003319.4); c.72064C>T, p.Pro24022Ser (NM_133378.4); c.52948C>T, p.Pro17650Ser (NM_133432.3); c.53149C>T, p.Pro17717Ser (NM_133437.4); short protein forms P26590S, P24022S, P24949S, P17525S, P17650S, P17717S.
Identifiers: ClinVar variation 404918 (VCV000404918.7), dbSNP rs767838835, ClinGen allele CA1989437.
Genomic context (GRCh38, chr2:178,566,364, plus strand): 5'-CAGATCCACCAGCTCTTACAACAATTCCTTTTCTTAATTCGGAGTCAAGGTCAAGTTCAG[G>A]TGCTTCAAGTTTATCTTCTGGTTTCACAGTACCAGGAACTGATGTAGCCTCACCTAAACC-3'
Protein context (NP_001254479.2, residues 26580-26600): TVKPEDKLEA[Pro26590Ser]ELDLDSELRK